The following is an entry in ClinVar:

ClinVar aggregate classification (germline): Uncertain significance (1 of 4 stars; one submission).

Allele frequency attached by ClinVar (database versions not stated): gnomAD exomes 0.00008; TOPMed below 0.00001; ExAC 0.00008.
gnomAD v4.1: 105 of 1,478,544 alleles (0.0071%); highest among the groups gnomAD compares: Non-Finnish European, 0.0092%; 1 homozygote.

Submission:

Labcorp Genetics (formerly Invitae), Labcorp
Classification: Uncertain significance. Last evaluated: 2022-07-31. Review status: criteria provided, single submitter. Criteria: Invitae Variant Classification Sherloc (09022015). Collection method: clinical testing. Allele origin: germline.
Comment: This sequence change replaces alanine, which is neutral and non-polar, with serine, which is neutral and polar, at codon 2 of the PPCS protein (p.Ala2Ser). The frequency data for this variant in the population databases is considered unreliable, as metrics indicate poor data quality at this position in the gnomAD database. This variant has not been reported in the literature in individuals affected with PPCS-related conditions. Algorithms developed to predict the effect of missense changes on protein structure and function (SIFT, PolyPhen-2, Align-GVGD) all suggest that this variant is likely to be tolerated. In summary, the available evidence is currently insufficient to determine the role of this variant in disease. Therefore, it has been classified as a Variant of Uncertain Significance.

NM_024664.4(PPCS):c.4G>T (p.Ala2Ser)

Genes: CCDC30 (coiled-coil domain containing 30; plus strand), PPCS (phosphopantothenoylcysteine synthetase; plus strand). Cytogenetic location: 1p34.2.
Variant type: single nucleotide variant.
Coding change: c.4G>T on transcript NM_024664.4 (MANE Select); coding-DNA position 4, G replaced by T.
Protein change: p.Ala2Ser; replaces alanine 2 with serine.
Molecular consequence: missense variant. On other transcripts: 5 prime UTR variant (4), intron variant (3).
Genome position (GRCh38, 1-based): chr1:42,456,569, G>T. VCF-style: chr1-42456569-G-T. GRCh37 (hg19) VCF-style: chr1-42922240-G-T.
Other names: c.-71G>T (NM_001077447.3); c.-167G>T (NM_001287508.2); c.-26G>T (NM_001287509.2); c.-689G>T (NM_001287510.2); c.4G>T, p.Ala2Ser (NM_001287511.2); c.-984+70G>T (NM_001355226.2); c.-328+70G>T (NM_001287507.1); c.-12+70G>T (NM_001287506.1); short protein forms A2S.
Identifiers: ClinVar variation 1948556 (VCV001948556.4), dbSNP rs773473745, ClinGen allele CA799876.